The following is an entry in ClinVar:

ClinVar aggregate classification (germline): Uncertain significance. Review status: criteria provided, single submitter (1 of 4 stars). 2 submissions from 2 submitters: Uncertain significance (1). 1 of the submissions does not count toward it. Last evaluated 2021-08-28.

Conditions:
Nemaline myopathy 2 (NEM2). Also called: Nemaline myopathy 2, autosomal recessive. Identifiers: MedGen C1850569, MONDO:0009725, OMIM 256030.

Allele frequency attached by ClinVar (database versions not stated): ExAC 0.00001; gnomAD 0.00001; gnomAD exomes 0.00001; TOPMed 0.00001.
gnomAD v4.1: 11 of 1,612,492 alleles (0.00068%); highest among the groups gnomAD compares: Non-Finnish European, 0.00076%; no homozygotes.

Submissions (2):

Labcorp Genetics (formerly Invitae), Labcorp
Classification: Uncertain significance for Nemaline myopathy 2. Last evaluated: 2021-08-28. Review status: criteria provided, single submitter. Criteria: Invitae Variant Classification Sherloc (09022015). Collection method: clinical testing. Allele origin: germline.
Comment: This sequence change replaces lysine with glutamic acid at codon 1565 of the NEB protein (p.Lys1565Glu). The lysine residue is moderately conserved and there is a small physicochemical difference between lysine and glutamic acid. This variant is present in population databases (rs767580883, ExAC 0.002%). This variant has not been reported in the literature in individuals affected with NEB-related conditions. Algorithms developed to predict the effect of missense changes on protein structure and function are either unavailable or do not agree on the potential impact of this missense change (SIFT: "Deleterious"; PolyPhen-2: "Not Available"; Align-GVGD: "Class C0"). Algorithms developed to predict the effect of sequence changes on RNA splicing suggest that this variant may create or strengthen a splice site. In summary, the available evidence is currently insufficient to determine the role of this variant in disease. Therefore, it has been classified as a Variant of Uncertain Significance.

Natera, Inc.
Classification: Uncertain significance for Nemaline myopathy type 2. Last evaluated: 2021-08-18. Review status: no assertion criteria provided. Collection method: clinical testing. Allele origin: germline. Not counted in ClinVar's aggregate classification.

NM_001164508.2(NEB):c.4693A>G (p.Lys1565Glu)

Gene: NEB (nebulin; minus strand). Cytogenetic location: 2q23.3.
Variant type: single nucleotide variant.
Coding change: c.4693A>G on transcript NM_001164508.2 (MANE Select); coding-DNA position 4693, A replaced by G.
Protein change: p.Lys1565Glu; replaces lysine 1565 with glutamic acid.
Molecular consequence: missense variant.
Genome position (GRCh38, 1-based): chr2:151,667,830, T>C on the plus strand (A>G on the coding strand, the complement: NEB is on the minus strand). VCF-style: chr2-151667830-T-C. GRCh37 (hg19) VCF-style: chr2-152524344-T-C.
Other names: c.4693A>G, p.Lys1565Glu (NM_001164507.2, NM_001271208.2, NM_004543.5); short protein forms K1565E.
Identifiers: ClinVar variation 999095 (VCV000999095.10), dbSNP rs767580883, ClinGen allele CA1910560.